The following is an entry in ClinVar:

ClinVar aggregate classification (germline): Uncertain significance (1 of 4 stars; one submission).

Conditions:
Inborn genetic diseases. Identifiers: MedGen C0950123, MeSH D030342.

Submission:

Ambry Genetics
Classification: Uncertain significance for Inborn genetic diseases. Last evaluated: 2025-09-01. Review status: criteria provided, single submitter. Criteria: Ambry Variant Classification Scheme 2023. Collection method: clinical testing. Allele origin: germline.
Comment: The p.S1070T variant (also known as c.3209G>C), located in coding exon 15 of the MECOM gene, results from a G to C substitution at nucleotide position 3209. The serine at codon 1070 is replaced by threonine, an amino acid with similar properties. This amino acid position is conserved. In addition, this alteration is predicted to be tolerated by in silico analysis. Based on the available evidence, the clinical significance of this variant remains unclear.

NM_004991.4(MECOM):c.3209G>C (p.Ser1070Thr)

Gene: MECOM (MDS1 and EVI1 complex locus; minus strand). Cytogenetic location: 3q26.2.
Variant type: single nucleotide variant.
Coding change: c.3209G>C on transcript NM_004991.4 (MANE Select); coding-DNA position 3209, G replaced by C.
Protein change: p.Ser1070Thr; replaces serine 1070 with threonine.
Molecular consequence: missense variant.
Genome position (GRCh38, 1-based): chr3:169,090,192, C>G on the plus strand (G>C on the coding strand, the complement: MECOM is on the minus strand). VCF-style: chr3-169090192-C-G. GRCh37 (hg19) VCF-style: chr3-168807980-C-G.
Other names: c.2645G>C, p.Ser882Thr (NM_005241.4, NM_001105078.4, NM_001205194.2 and 1 more transcripts); c.2840G>C, p.Ser947Thr (NM_001105077.4); c.2621G>C, p.Ser874Thr (NM_001163999.2, NM_001366470.2); c.2618G>C, p.Ser873Thr (NM_001164000.2, NM_001366471.2, NM_001366472.2); c.3182G>C, p.Ser1061Thr (NM_001366466.2); c.2648G>C, p.Ser883Thr (NM_001366467.2, NM_001366468.2); c.2210G>C, p.Ser737Thr (NM_001366473.2); c.1646G>C, p.Ser549Thr (NM_001366474.2); short protein forms S1070T, S737T, S874T, S947T, S873T, S882T, S883T, S1061T.
Identifiers: ClinVar variation 4105903 (VCV004105903.1).